The following is an entry in ClinVar:

NC_000023.10:g.(?_100603501)_(100608996_?)del

Genes: BTK (Bruton tyrosine kinase; minus strand), TIMM8A (translocase of inner mitochondrial membrane 8A; minus strand). Cytogenetic location: Xq22.1.
Variant type: Deletion.
Identifiers: ClinVar variation 1428930 (VCV001428930.6).

ClinVar aggregate classification (germline): Pathogenic. Review status: criteria provided, single submitter (1 of 4 stars). 2 submissions from 1 submitter: Pathogenic (1). 1 of the submissions does not count toward it. Last evaluated 2021-05-07.

Conditions:
X-linked agammaglobulinemia with growth hormone deficiency (IGHD3). Also called: FLEISHER SYNDROME; Isolated growth hormone deficiency type 3; Growth hormone deficiency with hypogammaglobulinemia; AGAMMAGLOBULINEMIA AND ISOLATED GROWTH HORMONE DEFICIENCY, X-LINKED; HYPOGAMMAGLOBULINEMIA AND ISOLATED GROWTH HORMONE DEFICIENCY, X-LINKED; IGHD III. Identifiers: Orphanet 231692, Orphanet 631, MedGen C0472813, MONDO:0010615, OMIM 307200.

Submissions (2):

Labcorp Genetics (formerly Invitae), Labcorp
Classification: Pathogenic. Last evaluated: 2021-05-07. Review status: criteria provided, single submitter. Criteria: Invitae Variant Classification Sherloc (09022015). Collection method: clinical testing. Allele origin: germline.
Comment: This variant is a gross deletion of the genomic region encompassing exon(s) 1 of the TIMM8A gene, which includes the initiator codon. The 5' end of this event is unknown as it extends beyond the assayed region for this gene and therefore may encompass additional genes. The 3' boundary is likely confined to intron 1 of the TIMM8A gene. It is expected to result in an absent or disrupted protein product. Loss-of-function variants in TIMM8A are known to be pathogenic (PMID: 11956200, 21984432, 22736418). This variant has not been reported in the literature in individuals with TIMM8A-related conditions. For these reasons, this variant has been classified as Pathogenic.

Labcorp Genetics (formerly Invitae), Labcorp
Classification: Pathogenic for X-linked agammaglobulinemia with growth hormone deficiency. Last evaluated: 2021-09-16. Review status: flagged submission. Criteria: Invitae Variant Classification Sherloc (09022015). Collection method: clinical testing. Allele origin: germline. Not counted in ClinVar's aggregate classification.
Comment: This variant is a gross deletion of the genomic region encompassing exon(s) 17-19 of the BTK gene, which includes the termination codon. This deletion extends beyond the assayed region for this gene and therefore may encompass additional genes. While this deletion is not anticipated to lead to nonsense mediated decay, it is expected to alter mRNA translation or result in a truncated protein product. This variant has not been reported in the literature in individuals affected with BTK-related conditions. The region of the BTK gene that includes exon(s) 19 has been determined to be clinically significant (PMID: 7711734, 9445504, 9545398). Therefore, deletions that encompass that region are likely to be disease-causing. For these reasons, this variant has been classified as Pathogenic.
ClinVar note: Reason: This record appears to be redundant with a more recent record from the same submitter.
ClinVar note: Notes: SCV002202434 appears to be redundant with SCV002233309.

Literature cited by the submitters: PubMed 11956200; PubMed 21984432; PubMed 22736418; PubMed 7711734; PubMed 9445504; PubMed 9545398.